The following is an entry in ClinVar:

NM_017780.4(CHD7):c.694C>A (p.Pro232Thr)

Gene: CHD7 (chromodomain helicase DNA binding protein 7; plus strand). Cytogenetic location: 8q12.2.
Variant type: single nucleotide variant.
Coding change: c.694C>A on transcript NM_017780.4 (MANE Select); coding-DNA position 694, C replaced by A.
Protein change: p.Pro232Thr; replaces proline 232 with threonine.
Molecular consequence: missense variant.
Genome position (GRCh38, 1-based): chr8:60,742,126, C>A. VCF-style: chr8-60742126-C-A. GRCh37 (hg19) VCF-style: chr8-61654685-C-A.
Other names: c.694C>A (LRG_176t1); c.694C>A, p.Pro232Thr (NM_001316690.1); short protein forms P232T.
Identifiers: ClinVar variation 210725 (VCV000210725.55), dbSNP rs554647169, ClinGen allele CA208395.

ClinVar aggregate classification (germline): Benign/Likely benign. Review status: criteria provided, multiple submitters, no conflicts (2 of 4 stars). 11 submissions from 11 submitters: Benign (5); Likely benign (5). 1 of the submissions does not count toward it. Last evaluated 2026-01-19.

Conditions:
CHD7-related disorder. Also called: CHD7-related condition.
Inborn genetic diseases. Identifiers: MedGen C0950123, MeSH D030342.
CHARGE syndrome (CHARGE). Also called: Coloboma, heart anomaly, choanal atresia, retardation, genital and ear anomalies; CHARGE association; Hall-Hittner syndrome; CHARGE ASSOCIATION--COLOBOMA, HEART ANOMALY, CHOANAL ATRESIA, RETARDATION, GENITAL AND EAR ANOMALIES; Hittner Hirsch Kreh syndrome. Identifiers: Orphanet 138, MedGen C0265354, MONDO:0008965.
Hypogonadotropic hypogonadism 5 with or without anosmia (KAL5). Also called: HYPOGONADOTROPIC HYPOGONADISM 5 WITH ANOSMIA; HYPOGONADOTROPHIC HYPOGONADISM 5 WITHOUT ANOSMIA; CHD7-Related GnRH Deficiency (Kallmann Syndrome 5). Identifiers: Orphanet 478, MedGen C3552553, MONDO:0012880, OMIM 612370. Disease mechanism: loss of function.

Allele frequency attached by ClinVar (database versions not stated): gnomAD 0.00002 and 0.00041; TOPMed 0.00006; ExAC 0.00161; 1000 Genomes Project 30x 0.00234; 1000 Genomes Project 0.00260.
gnomAD v4.1: 1,167 of 1,613,972 alleles (0.072%); highest among the groups gnomAD compares: South Asian, 1.2%; 8 homozygotes.

Submissions (11):

Labcorp Genetics (formerly Invitae), Labcorp
Classification: Benign for CHARGE syndrome. Last evaluated: 2026-01-19. Review status: criteria provided, single submitter. Criteria: Invitae Variant Classification Sherloc (09022015). Collection method: clinical testing. Allele origin: germline.

CeGaT Center for Human Genetics Tuebingen
Classification: Likely benign. Last evaluated: 2025-09-01. Review status: criteria provided, single submitter. Criteria: CeGaT Center For Human Genetics Tuebingen Variant Classification Criteria Version 2. Collection method: clinical testing. Allele origin: germline. Affected: yes. Observed: 3 variant alleles.
Comment: CHD7: BP4, BS1

Blueprint Genetics
Classification: Likely benign. Last evaluated: 2024-10-24. Review status: criteria provided, single submitter. Criteria: ACMG Guidelines, 2015. Collection method: clinical testing. Allele origin: germline.

Fulgent Genetics
Classification: Benign for CHD7-related CHARGE syndrome; Hypogonadotropic hypogonadism 5 with or without anosmia. Last evaluated: 2021-11-11. Review status: criteria provided, single submitter. Criteria: ACMG Guidelines, 2015. Collection method: clinical testing. Allele origin: unknown.

GeneDx
Classification: Likely benign. Last evaluated: 2021-03-18. Review status: criteria provided, single submitter. Criteria: GeneDx Variant Classification Process June 2021. Collection method: clinical testing. Allele origin: germline. Affected: yes.

Women's Health and Genetics/Laboratory Corporation of America, LabCorp
Classification: Likely benign. Last evaluated: 2019-03-04. Review status: criteria provided, single submitter. Criteria: LabCorp Variant Classification Summary - May 2015. Collection method: clinical testing. Allele origin: germline.
Comment: Variant summary: The variant, CHD7 c.694C>A (p.Pro232Thr) results in a non-conservative amino acid change in the encoded protein sequence. Three of five in-silico tools predict a benign effect of the variant on protein function. The variant allele was found at a frequency of 0.0015 in 246218 control chromosomes, predominantly at a frequency of 0.012 within the South Asian subpopulation in the gnomAD database, including 1 homozygotes. The observed variant frequency within South Asian control individuals in the gnomAD database is approximately 9600 fold of the estimated maximal expected allele frequency for a pathogenic variant in CHD7 causing Congenital Heart Disease phenotype (1.3e-06), strongly suggesting that the variant is a benign polymorphism found primarily in populations of South Asian origin. The variant, c.694C>A has been reported in the literature in an individual affected with Tetralogy of Fallot (DAlessandro_2016). However, this report does not provide unequivocal conclusions about association of the variant with Congenital Heart Disease. To our knowledge, no experimental evidence demonstrating an impact on protein function has been reported. Four clinical diagnostic laboratories have submitted clinical-significance assessments for this variant to ClinVar after 2014 without evidence for independent evaluation and classified the variant as benign (X2) /likely benign (X2). Based on the evidence outlined above, the variant was classified as likely benign.

Illumina Laboratory Services, Illumina
Classification: Benign for Kallmann Syndrome 5. Last evaluated: 2018-01-12. Review status: criteria provided, single submitter. Criteria: ICSL Variant Classification Criteria 13 December 2019. Collection method: clinical testing. Allele origin: germline.
Comment: This variant was observed in the ICSL laboratory as part of a predisposition screen in an ostensibly healthy population. It had not been previously curated by ICSL or reported in the Human Gene Mutation Database (HGMD: prior to June 1st, 2018), and was therefore a candidate for classification through an automated scoring system. Utilizing variant allele frequency, disease prevalence and penetrance estimates, and inheritance mode, an automated score was calculated to assess if this variant is too frequent to cause the disease. Based on the score and internal cut-off values, a variant classified as benign is not then subjected to further curation. The score for this variant resulted in a classification of benign for this disease.

Genomic Diagnostic Laboratory, Division of Genomic Diagnostics, Children's Hospital of Philadelphia
Classification: Benign for CHARGE syndrome. Last evaluated: 2016-09-05. Review status: criteria provided, single submitter. Criteria: DGD Variant Analysis Guidelines. Collection method: clinical testing. Allele origin: germline. Observed: 2 variant alleles.
Comment: Clinical Testing

Ambry Genetics
Classification: Benign for Inborn genetic diseases. Last evaluated: 2016-08-27. Review status: criteria provided, single submitter. Criteria: Ambry Variant Classification Scheme 2023. Collection method: clinical testing. Allele origin: germline.

Genetic Services Laboratory, University of Chicago
Classification: Likely benign. Last evaluated: 2015-07-20. Review status: criteria provided, single submitter. Criteria: ACMG Guidelines, 2015. Collection method: clinical testing. Allele origin: germline.

PreventionGenetics, part of Exact Sciences
Classification: Likely benign for CHD7-related condition. Last evaluated: 2019-05-16. Review status: no assertion criteria provided. Collection method: clinical testing. Allele origin: germline. Not counted in ClinVar's aggregate classification.
Comment: This variant is classified as likely benign based on ACMG/AMP sequence variant interpretation guidelines (Richards et al. 2015 PMID: 25741868, with internal and published modifications).